The following is an entry in ClinVar:

ClinVar aggregate classification (germline): Uncertain significance (1 of 4 stars; one submission).

Submission:

Labcorp Genetics (formerly Invitae), Labcorp
Classification: Uncertain significance. Last evaluated: 2026-01-22. Review status: criteria provided, single submitter. Criteria: Invitae Variant Classification Sherloc (09022015). Collection method: clinical testing. Allele origin: germline.
Comment: This sequence change replaces proline, which is neutral and non-polar, with leucine, which is neutral and non-polar, at codon 1042 of the RUSC2 protein (p.Pro1042Leu). This variant is not present in population databases (gnomAD no frequency). This variant has not been reported in the literature in individuals affected with RUSC2-related conditions. An algorithm developed to predict the effect of missense changes on protein structure and function (PolyPhen-2) suggests that this variant is likely to be disruptive. In summary, the available evidence is currently insufficient to determine the role of this variant in disease. Therefore, it has been classified as a Variant of Uncertain Significance.

NM_014806.5(RUSC2):c.3125C>T (p.Pro1042Leu)

Gene: RUSC2 (RUN and SH3 domain containing 2; plus strand). Cytogenetic location: 9p13.3.
Variant type: single nucleotide variant.
Coding change: c.3125C>T on transcript NM_014806.5 (MANE Select); coding-DNA position 3125, C replaced by T.
Protein change: p.Pro1042Leu; replaces proline 1042 with leucine.
Molecular consequence: missense variant. On other transcripts: non-coding transcript variant (1).
Genome position (GRCh38, 1-based): chr9:35,558,261, C>T. VCF-style: chr9-35558261-C-T. GRCh37 (hg19) VCF-style: chr9-35558258-C-T.
Other names: c.3125C>T, p.Pro1042Leu (NM_001135999.2); c.491C>T, p.Pro164Leu (NM_001330740.2); short protein forms P1042L, P164L.
Identifiers: ClinVar variation 4809243 (VCV004809243.1).